The following is an entry in ClinVar:

ClinVar aggregate classification (germline): Benign. Review status: criteria provided, multiple submitters, no conflicts (2 of 4 stars). 5 submissions from 5 submitters: Benign (4). 1 of the submissions does not count toward it. Last evaluated 2026-02-02.

Allele frequency attached by ClinVar (database versions not stated): 1000 Genomes Project 30x 0.22064; 1000 Genomes Project 0.22204; TOPMed 0.26285; gnomAD 0.28870; ESP Exome Variant Server 0.29438.

Submissions (5):

Labcorp Genetics (formerly Invitae), Labcorp
Classification: Benign. Last evaluated: 2026-02-02. Review status: criteria provided, single submitter. Criteria: Invitae Variant Classification Sherloc (09022015). Collection method: clinical testing. Allele origin: germline.

Blueprint Genetics
Classification: Benign. Last evaluated: 2024-11-27. Review status: criteria provided, single submitter. Criteria: ACMG Guidelines, 2015. Collection method: clinical testing. Allele origin: germline.

Unidad de Genómica Garrahan, Hospital de Pediatría Garrahan
Classification: Benign. Last evaluated: 2024-07-31. Review status: criteria provided, single submitter. Criteria: ACMG Guidelines, 2015. Collection method: clinical testing. Allele origin: germline. Affected: no. Observed: 47 variant alleles.
Comment: This variant is classified as Benign based on local population frequency. This variant was detected in 51% of patients studied in a panel designed for Epileptic and Developmental Encephalopathy, Progressive Myoclonus Epilepsy and Abnormal Movements and Neurodegeneration with brain iron accumulation. Number of patients: 47. Only high quality variants are reported.

GeneDx
Classification: Benign. Last evaluated: 2015-12-16. Review status: criteria provided, single submitter. Criteria: GeneDx Variant Classification (06012015). Collection method: clinical testing. Allele origin: germline. Affected: yes.
Comment: This variant is considered likely benign or benign based on one or more of the following criteria: it is a conservative change, it occurs at a poorly conserved position in the protein, it is predicted to be benign by multiple in silico algorithms, and/or has population frequency not consistent with disease.

Mayo Clinic Laboratories, Mayo Clinic
Classification: Benign. Last evaluated: 2016-02-19. Review status: no assertion criteria provided. Collection method: clinical testing. Allele origin: unknown. Not counted in ClinVar's aggregate classification.

NM_020442.6(VARS2):c.168G>T (p.Ala56=)

Gene: VARS2 (valyl-tRNA synthetase 2, mitochondrial; plus strand). Cytogenetic location: 6p21.33.
Variant type: single nucleotide variant.
Coding change: c.168G>T on transcript NM_020442.6 (MANE Select); coding-DNA position 168, G replaced by T.
Protein change: p.Ala56=; no amino-acid change (alanine 56 retained).
Molecular consequence: synonymous variant. On other transcripts: intron variant (1).
Genome position (GRCh38, 1-based): chr6:30,915,004, G>T. VCF-style: chr6-30915004-G-T. GRCh37 (hg19) VCF-style: chr6-30882781-G-T.
Other names: c.258G>T, p.Ala86= (NM_001167734.2); c.-219-152G>T (NM_001167733.3).
Identifiers: ClinVar variation 380150 (VCV000380150.16), dbSNP rs1264301, ClinGen allele CA3705508.